The following is an entry in ClinVar:

ClinVar aggregate classification (germline): Uncertain significance. Review status: criteria provided, multiple submitters, no conflicts (2 of 4 stars). 2 submissions from 2 submitters: Uncertain significance (2). Last evaluated 2023-03-30.

Conditions:
Hypertrophic cardiomyopathy. Also called: HYPERTROPHIC MYOCARDIOPATHY. Identifiers: Orphanet 217569, MedGen C0007194, MeSH D002312, MONDO:0005045, HP:0001639.
Cardiovascular phenotype. Identifiers: MedGen CN230736.

Allele frequency attached by ClinVar (database versions not stated): gnomAD exomes below 0.00001; ExAC 0.00001.
gnomAD v4.1: 2 of 1,614,198 alleles (0.00012%); highest among the groups gnomAD compares: Non-Finnish European, 0.00017%; no homozygotes.

Submissions (2):

Ambry Genetics
Classification: Uncertain significance for Cardiovascular phenotype. Last evaluated: 2023-03-30. Review status: criteria provided, single submitter. Criteria: Ambry Variant Classification Scheme 2023. Collection method: clinical testing. Allele origin: germline.
Comment: The p.N568D variant (also known as c.1702A>G), located in coding exon 14 of the MYH7 gene, results from an A to G substitution at nucleotide position 1702. The asparagine at codon 568 is replaced by aspartic acid, an amino acid with highly similar properties. This amino acid position is not well conserved in available vertebrate species. In addition, this alteration is predicted to be tolerated by in silico analysis. Since supporting evidence is limited at this time, the clinical significance of this alteration remains unclear.

Labcorp Genetics (formerly Invitae), Labcorp
Classification: Uncertain significance for Hypertrophic cardiomyopathy. Last evaluated: 2023-02-03. Review status: criteria provided, single submitter. Criteria: Invitae Variant Classification Sherloc (09022015). Collection method: clinical testing. Allele origin: germline.
Comment: This variant has not been reported in the literature in individuals affected with MYH7-related conditions. This sequence change replaces asparagine, which is neutral and polar, with aspartic acid, which is acidic and polar, at codon 568 of the MYH7 protein (p.Asn568Asp). This variant is present in population databases (rs774163584, gnomAD 0.0009%). Advanced modeling of protein sequence and biophysical properties (such as structural, functional, and spatial information, amino acid conservation, physicochemical variation, residue mobility, and thermodynamic stability) performed at Invitae indicates that this missense variant is not expected to disrupt MYH7 protein function. In summary, the available evidence is currently insufficient to determine the role of this variant in disease. Therefore, it has been classified as a Variant of Uncertain Significance.

NM_000257.4(MYH7):c.1702A>G (p.Asn568Asp)

Gene: MYH7 (myosin heavy chain 7; minus strand). Cytogenetic location: 14q11.2.
Variant type: single nucleotide variant.
Coding change: c.1702A>G on transcript NM_000257.4 (MANE Select); coding-DNA position 1702, A replaced by G.
Protein change: p.Asn568Asp; replaces asparagine 568 with aspartic acid.
Molecular consequence: missense variant.
Genome position (GRCh38, 1-based): chr14:23,427,771, T>C on the plus strand (A>G on the coding strand, the complement: MYH7 is on the minus strand). VCF-style: chr14-23427771-T-C. GRCh37 (hg19) VCF-style: chr14-23896980-T-C.
Other names: c.1702A>G, p.Asn568Asp (NM_001407004.1); short protein forms N568D.
Identifiers: ClinVar variation 2563048 (VCV002563048.5), dbSNP rs774163584, ClinGen allele CA029145.